The following is an entry in ClinVar:

ClinVar aggregate classification (germline): Uncertain significance (1 of 4 stars; one submission).

Conditions:
Nemaline myopathy 2 (NEM2). Also called: Nemaline myopathy 2, autosomal recessive. Identifiers: MedGen C1850569, MONDO:0009725, OMIM 256030.

Allele frequency attached by ClinVar (database versions not stated): gnomAD exomes 0.00001.
gnomAD v4.1: 3 of 1,608,086 alleles (0.00019%); highest among the groups gnomAD compares: South Asian, 0.0033%; no homozygotes.

Submission:

Labcorp Genetics (formerly Invitae), Labcorp
Classification: Uncertain significance for Nemaline myopathy 2. Last evaluated: 2024-12-24. Review status: criteria provided, single submitter. Criteria: Invitae Variant Classification Sherloc (09022015). Collection method: clinical testing. Allele origin: germline.
Comment: This sequence change replaces asparagine, which is neutral and polar, with serine, which is neutral and polar, at codon 5730 of the NEB protein (p.Asn5730Ser). This variant is present in population databases (no rsID available, gnomAD 0.003%). This variant has not been reported in the literature in individuals affected with NEB-related conditions. ClinVar contains an entry for this variant (Variation ID: 2087409). Experimental studies and prediction algorithms are not available or were not evaluated, and the functional significance of this variant is currently unknown. In summary, the available evidence is currently insufficient to determine the role of this variant in disease. Therefore, it has been classified as a Variant of Uncertain Significance.

NM_001164508.2(NEB):c.17189A>G (p.Asn5730Ser)

Gene: NEB (nebulin; minus strand). Cytogenetic location: 2q23.3.
Variant type: single nucleotide variant.
Coding change: c.17189A>G on transcript NM_001164508.2 (MANE Select); coding-DNA position 17189, A replaced by G.
Protein change: p.Asn5730Ser; replaces asparagine 5730 with serine.
Molecular consequence: missense variant.
Genome position (GRCh38, 1-based): chr2:151,570,322, T>C on the plus strand (A>G on the coding strand, the complement: NEB is on the minus strand). VCF-style: chr2-151570322-T-C. GRCh37 (hg19) VCF-style: chr2-152426836-T-C.
Other names: c.17189A>G, p.Asn5730Ser (NM_001164507.2, NM_001271208.2); c.12086A>G, p.Asn4029Ser (NM_004543.5); short protein forms N4029S, N5730S.
Identifiers: ClinVar variation 2087409 (VCV002087409.3), dbSNP rs1245122182, ClinGen allele CA348808281.